The following is an entry in ClinVar:

NM_001267550.2(TTN):c.1066G>C (p.Glu356Gln)

Gene: TTN (titin; minus strand). Cytogenetic location: 2q31.2.
Variant type: single nucleotide variant.
Coding change: c.1066G>C on transcript NM_001267550.2 (MANE Select); coding-DNA position 1066, G replaced by C.
Protein change: p.Glu356Gln; replaces glutamic acid 356 with glutamine.
Molecular consequence: missense variant.
Genome position (GRCh38, 1-based): chr2:178,795,101, C>G on the plus strand (G>C on the coding strand, the complement: TTN is on the minus strand). VCF-style: chr2-178795101-C-G. GRCh37 (hg19) VCF-style: chr2-179659828-C-G.
Other names: p.E356Q:GAG>CAG; c.1066G>C, p.Glu356Gln (NM_001256850.1, NM_133378.4, NM_003319.4 and 3 more transcripts); short protein forms E356Q.
Identifiers: ClinVar variation 202582 (VCV000202582.34), dbSNP rs144531477, ClinGen allele CA309658.

ClinVar aggregate classification (germline): Conflicting classifications of pathogenicity. Review status: criteria provided, conflicting classifications (1 of 4 stars). 17 submissions from 13 submitters: Uncertain significance (11); Benign (1); Likely benign (4). 1 of the submissions does not count toward it. Last evaluated 2026-05-26.

Conditions:
TTN-related disorder. Also called: TTN-related condition; TTN-related disease; TTN-related disorders.
Arthrogryposis syndrome. Identifiers: Orphanet 109007, MedGen CN261653, MONDO:0015225.
Cardiovascular phenotype. Identifiers: MedGen CN230736.
Dilated cardiomyopathy 1G (CMD1G). Identifiers: Orphanet 154, MedGen C1858763, MONDO:0011400, OMIM 604145.
Autosomal recessive limb-girdle muscular dystrophy type 2J (LGMDR10). Also called: Limb-girdle muscular dystrophy, type 2J; MUSCULAR DYSTROPHY, LIMB-GIRDLE, AUTOSOMAL RECESSIVE 10. Identifiers: Orphanet 140922, MedGen C1837342, MONDO:0012127, OMIM 608807.
Myopathy, myofibrillar, 9, with early respiratory failure (MFM9). Also called: Myopathy, distal, with early respiratory failure, autosomal dominant; MYOPATHY, PROXIMAL, WITH EARLY RESPIRATORY MUSCLE INVOLVEMENT; Hereditary myopathy with early respiratory failure; EDSTROM MYOPATHY. Identifiers: Orphanet 178464, Orphanet 34521, MedGen C1863599, MONDO:0011362, OMIM 603689.
Early-onset myopathy with fatal cardiomyopathy (CMYO5). Also called: Salih Myopathy; CONGENITAL MYOPATHY 5 WITH CARDIOMYOPATHY. Identifiers: Orphanet 289377, MedGen C2673677, MONDO:0012714, OMIM 611705. Disease mechanism: loss of function.
Tibial muscular dystrophy (TMD). Also called: Tibial muscular dystrophy, tardive; Udd Distal Myopathy – Tibial Muscular Dystrophy; UDD MYOPATHY. Identifiers: Orphanet 609, MedGen C1838244, MONDO:0010870, OMIM 600334.

Allele frequency attached by ClinVar (database versions not stated): ExAC 0.00012; gnomAD 0.00012; gnomAD exomes 0.00014 and 0.00016; ESP Exome Variant Server 0.00015; TOPMed 0.00017.
gnomAD v4.1: 219 of 1,613,992 alleles (0.014%); highest among the groups gnomAD compares: Admixed American, 0.063%; no homozygotes.

Submissions 1 to 12 of 17:

Women's Health and Genetics/Laboratory Corporation of America, LabCorp
Classification: Likely benign. Last evaluated: 2026-05-26. Review status: criteria provided, single submitter. Criteria: LabCorp Variant Classification Summary - May 2015. Collection method: clinical testing. Allele origin: germline.
Comment: Variant summary: TTN c.1066G>C (p.Glu356Gln) results in a conservative amino acid change in the encoded protein sequence. Algorithms developed to predict the effect of missense changes on protein structure and function are either unavailable or do not agree on the potential impact of this missense change. The variant allele was found at a frequency of 0.00016 in 251140 control chromosomes, predominantly at a frequency of 0.00061 within the Latino subpopulation in the gnomAD database. The observed variant frequency within Latino control individuals in the gnomAD database exceeds the estimated maximal expected allele frequency for disease-causing variants in TTN. c.1066G>C has been observed in the presumed compound heterozygous state in at least 2 individual(s) affected with TTN-related conditions, without strong evidence for causality (example, Pinto_2022, Perez-Serra_2024). These report(s) do not provide unequivocal conclusions about association of the variant with disease. To our knowledge, no experimental evidence demonstrating an impact on protein function has been reported. The following publications have been ascertained in the context of this evaluation (PMID: 35548885, 38612618). ClinVar contains an entry for this variant (Variation ID: 202582). Based on the evidence outlined above, the variant was classified as likely benign.

PreventionGenetics, part of Exact Sciences
Classification: Uncertain significance for TTN-related condition. Last evaluated: 2025-12-16. Review status: criteria provided, single submitter. Criteria: ACMG Guidelines, 2015. Collection method: clinical testing. Allele origin: germline.
Comment: The TTN c.1066G>C variant is predicted to result in the amino acid substitution p.Glu356Gln. This variant has been reported in the compound heterozygous state in an individual with adult-onset myopathies (Pinto et al. 2022. PubMed ID: 35548885). This variant has also been reported in an individual with dilated cardiomyopathy (Pérez-Serra et al. 2024. PubMed ID: 38612618). This variant is reported in 0.062% of alleles in individuals of Latino descent in gnomAD. Although we suspect that this variant may be benign, at this time, the clinical significance of this variant is uncertain due to the absence of conclusive functional and genetic evidence.

Revvity Omics, Revvity
Classification: Uncertain significance. Last evaluated: 2025-06-18. Review status: criteria provided, single submitter. Criteria: ACMG Guidelines, 2015. Collection method: clinical testing. Allele origin: germline.

Molecular Diagnostic Laboratory for Inherited Cardiovascular Disease, Montreal Heart Institute
Classification: Likely benign. Last evaluated: 2025-04-09. Review status: criteria provided, single submitter. Criteria: ACMG Guidelines, 2015. Collection method: clinical testing. Allele origin: germline. Affected: no.

Mayo Clinic Laboratories, Mayo Clinic
Classification: Likely benign. Last evaluated: 2024-12-26. Review status: criteria provided, single submitter. Criteria: ACMG Guidelines, 2015. Collection method: clinical testing. Allele origin: germline. Observed: 2 variant alleles.
Comment: BS1, BP4_moderate

Cambridge Genomics Laboratory, East Genomic Laboratory Hub, NHS Genomic Medicine Service
Classification: Uncertain significance for Arthrogryposis syndrome. Last evaluated: 2020-03-27. Review status: criteria provided, single submitter. Criteria: ACGS Best Practice Guidelines for Variant Classification in Rare Disease 2020. Collection method: clinical testing. Allele origin: germline. Affected: yes. Observed: 1 variant allele.

ARUP Laboratories, Molecular Genetics and Genomics, ARUP Laboratories
Classification: Uncertain significance. Last evaluated: 2019-05-23. Review status: criteria provided, single submitter. Criteria: ARUP Molecular Germline Variant Investigation Process. Collection method: clinical testing. Allele origin: germline.
Comment: The TTN c.1066G>C; p.Glu356Gln variant (rs144531477; ClinVar Variation ID: 202582) is rare in the general population (<1% allele frequency in the Genome Aggregation Database) and has not been reported in the medical literature in association with dilated cardiomyopathy (DCM) or other TTN-related disease. The clinical relevance of rare missense variants in this gene, which are identified on average once per individual sequenced in affected populations (Herman 2012), is not well understood. Yet, evidence suggests that the vast majority of such missense variants do not contribute to the clinical outcome of DCM (Begay 2015). Thus, the clinical significance of the p.Glu356Gln variant cannot be determined with certainty. References: Begay RL et al. Role of Titin Missense Variants in Dilated Cardiomyopathy. J Am Heart Assoc. 2015 Nov 13;4(11). Herman DS et al. Truncations of titin causing dilated cardiomyopathy. N Engl J Med. 2012 Feb 16;366(7):619-28. Linke and Hamdani. Gigantic business: titin properties and function through thick and thin. Circ Res 2014; 114(6): 1052-1068.

Ambry Genetics
Classification: Uncertain significance for Cardiovascular phenotype. Last evaluated: 2018-08-26. Review status: criteria provided, single submitter. Criteria: Ambry Variant Classification Scheme 2023. Collection method: clinical testing. Allele origin: germline.
Comment: The p.E356Q variant (also known as c.1066G>C), located in coding exon 6 of the TTN gene, results from a G to C substitution at nucleotide position 1066. The glutamic acid at codon 356 is replaced by glutamine, an amino acid with highly similar properties. This amino acid position is highly conserved in available vertebrate species. In addition, this alteration is predicted to be tolerated by in silico analysis. Since supporting evidence is limited at this time, the clinical significance of this alteration remains unclear.

Illumina Laboratory Services, Illumina
Classification: Uncertain significance for Early-onset myopathy with fatal cardiomyopathy. Last evaluated: 2018-01-12. Review status: criteria provided, single submitter. Criteria: ICSL Variant Classification Criteria 13 December 2019. Collection method: clinical testing. Allele origin: germline.

Illumina Laboratory Services, Illumina
Classification: Uncertain significance for Autosomal recessive limb-girdle muscular dystrophy type 2J. Last evaluated: 2018-01-12. Review status: criteria provided, single submitter. Criteria: ICSL Variant Classification Criteria 13 December 2019. Collection method: clinical testing. Allele origin: germline.

Illumina Laboratory Services, Illumina
Classification: Likely benign for Myopathy, myofibrillar, 9, with early respiratory failure. Last evaluated: 2018-01-12. Review status: criteria provided, single submitter. Criteria: ICSL Variant Classification Criteria 13 December 2019. Collection method: clinical testing. Allele origin: germline.
Comment: This variant was observed in the ICSL laboratory as part of a predisposition screen in an ostensibly healthy population. It had not been previously curated by ICSL or reported in the Human Gene Mutation Database (HGMD: prior to June 1st, 2018), and was therefore a candidate for classification through an automated scoring system. Utilizing variant allele frequency, disease prevalence and penetrance estimates, and inheritance mode, an automated score was calculated to assess if this variant is too frequent to cause the disease. Based on the score and internal cut-off values, a variant classified as likely benign is not then subjected to further curation. The score for this variant resulted in a classification of likely benign for this disease.

Illumina Laboratory Services, Illumina
Classification: Uncertain significance for Dilated cardiomyopathy 1G. Last evaluated: 2018-01-12. Review status: criteria provided, single submitter. Criteria: ICSL Variant Classification Criteria 13 December 2019. Collection method: clinical testing. Allele origin: germline.